The following is an entry in ClinVar:

NM_000179.3(MSH6):c.2738del (p.Asp913fs)

Gene: MSH6 (mutS homolog 6; plus strand). Cytogenetic location: 2p16.3.
Variant type: Deletion.
Coding change: c.2738del on transcript NM_000179.3 (MANE Select); coding-DNA position 2738, one base deleted (A; older notation c.2738delA).
Protein change: p.Asp913fs; shifts the reading frame from aspartic acid 913.
Molecular consequence: frameshift variant.
Genome position (GRCh38, 1-based): chr2:47,800,721, A deleted. VCF-style (leftmost placement, unchanged base first): chr2-47800720-GA-G. GRCh37 (hg19) VCF-style: chr2-48027859-GA-G.
Other names: c.2348del, p.Asp783fs (NM_001281492.2); c.1832del, p.Asp611fs (NM_001281493.2, NM_001281494.2); c.2834delA, p.Asp945Valfs (NM_001406795.1, NM_001406802.1); c.2738delA, p.Asp913Valfs (NM_001406796.1, NM_001406798.1, NM_001406800.1 and 2 more transcripts); c.2441delA, p.Asp814Valfs (NM_001406797.1, NM_001406801.1, NM_001406805.1 and 10 more transcripts); c.2213delA, p.Asp738Valfs (NM_001406799.1, NM_001406806.1, NM_001406807.1); c.2660delA, p.Asp887Valfs (NM_001406804.1); c.1832delA, p.Asp611Valfs (NM_001406811.1, NM_001406812.1, NM_001406814.1 and 4 more transcripts); and 3 more; short protein forms D611fs, D783fs, D913fs.
Identifiers: ClinVar variation 1795371 (VCV001795371.9), dbSNP rs2530690309, ClinGen allele CA2580068050.

ClinVar aggregate classification (germline): Pathogenic. Review status: criteria provided, multiple submitters, no conflicts (2 of 4 stars). 3 submissions from 3 submitters: Pathogenic (3). Last evaluated 2026-04-17.

Conditions:
Hereditary nonpolyposis colorectal neoplasms. Identifiers: MedGen C0009405, MeSH D003123.
Hereditary cancer-predisposing syndrome. Also called: Neoplastic Syndromes, Hereditary; Tumor predisposition; Hereditary Cancer Syndrome; Hereditary neoplastic syndrome. Identifiers: Orphanet 140162, MedGen C0027672, MeSH D009386, MONDO:0015356.
Lynch syndrome 5 (LYNCH5). Also called: Colorectal cancer, hereditary nonpolyposis, type 5; Hereditary non-polyposis colorectal cancer, type 5. Identifiers: Orphanet 144, MedGen C1833477, MONDO:0013710, OMIM 614350. Disease mechanism: loss of function.

Submissions (3):

Ambry Genetics
Classification: Pathogenic for Hereditary cancer-predisposing syndrome. Last evaluated: 2026-04-17. Review status: criteria provided, single submitter. Criteria: Ambry Variant Classification Scheme 2023. Collection method: clinical testing. Allele origin: germline.
Comment: The c.2738delA pathogenic mutation, located in coding exon 4 of the MSH6 gene, results from a deletion of one nucleotide at nucleotide position 2738, causing a translational frameshift with a predicted alternate stop codon (p.D913Vfs*32). This variant is considered to be rare based on population cohorts in the Genome Aggregation Database (gnomAD). This alteration is expected to result in loss of function by premature protein truncation or nonsense-mediated mRNA decay. As such, this alteration is interpreted as a disease-causing mutation.

Myriad Genetics, Inc.
Classification: Pathogenic for Lynch syndrome 5. Last evaluated: 2023-08-18. Review status: criteria provided, single submitter. Criteria: Myriad Autosomal Dominant, Autosomal Recessive and X-Linked Classification Criteria (2023). Collection method: clinical testing. Allele origin: unknown.
Comment: This variant is considered pathogenic. This variant creates a frameshift predicted to result in premature protein truncation.

Labcorp Genetics (formerly Invitae), Labcorp
Classification: Pathogenic for Hereditary nonpolyposis colorectal neoplasms. Last evaluated: 2022-07-13. Review status: criteria provided, single submitter. Criteria: Invitae Variant Classification Sherloc (09022015). Collection method: clinical testing. Allele origin: germline.
Comment: For these reasons, this variant has been classified as Pathogenic. This variant has not been reported in the literature in individuals affected with MSH6-related conditions. This variant is not present in population databases (gnomAD no frequency). This sequence change creates a premature translational stop signal (p.Asp913Valfs*32) in the MSH6 gene. It is expected to result in an absent or disrupted protein product. Loss-of-function variants in MSH6 are known to be pathogenic (PMID: 18269114, 24362816).

Literature cited by the submitters: PubMed 18269114 (cited by Labcorp Genetics (formerly Invitae), Labcorp); PubMed 24362816 (cited by Labcorp Genetics (formerly Invitae), Labcorp).